The following is an entry in ClinVar:

NM_004465.2(FGF10):c.389A>G (p.Tyr130Cys)

Gene: FGF10 (fibroblast growth factor 10; minus strand). Cytogenetic location: 5p12.
Variant type: single nucleotide variant.
Coding change: c.389A>G on transcript NM_004465.2 (MANE Select); coding-DNA position 389, A replaced by G.
Protein change: p.Tyr130Cys; replaces tyrosine 130 with cysteine.
Molecular consequence: missense variant.
Genome position (GRCh38, 1-based): chr5:44,310,467, T>C on the plus strand (A>G on the coding strand, the complement: FGF10 is on the minus strand). VCF-style: chr5-44310467-T-C. GRCh37 (hg19) VCF-style: chr5-44310569-T-C.
Other names: short protein forms Y130C.
Identifiers: ClinVar variation 3603473 (VCV003603473.2).
Genomic context (GRCh38, chr5:44,310,467, plus strand): 5'-AACAAAAGCAGAATACTTACTGAGCCATAGAGTTTCCCCTTCTTGTTCATGGCTAAGTAA[T>C]AGTTGCTGTTAATGGCTTTGACGGCAACAACTCCGATTTCTACTGATGTTATCTCCAGGA-3'
Protein context (NP_004456.1, residues 120-140): VVAVKAINSN[Tyr130Cys]YLAMNKKGKL

ClinVar aggregate classification (germline): Uncertain significance (1 of 4 stars; one submission).

gnomAD v4.1: 8 of 1,612,534 alleles (0.0005%); highest among the groups gnomAD compares: African/African-American, 0.008%; no homozygotes.

Submission:

Labcorp Genetics (formerly Invitae), Labcorp
Classification: Uncertain significance. Last evaluated: 2025-01-09. Review status: criteria provided, single submitter. Criteria: Invitae Variant Classification Sherloc (09022015). Collection method: clinical testing. Allele origin: germline.
Comment: This sequence change replaces tyrosine, which is neutral and polar, with cysteine, which is neutral and slightly polar, at codon 130 of the FGF10 protein (p.Tyr130Cys). This variant is present in population databases (rs145888320, gnomAD 0.01%). This variant has not been reported in the literature in individuals affected with FGF10-related conditions. An algorithm developed to predict the effect of missense changes on protein structure and function (PolyPhen-2) suggests that this variant is likely to be disruptive. In summary, the available evidence is currently insufficient to determine the role of this variant in disease. Therefore, it has been classified as a Variant of Uncertain Significance.